The following is an entry in ClinVar:

ClinVar aggregate classification (germline): Pathogenic/Likely pathogenic. Review status: criteria provided, multiple submitters, no conflicts (2 of 4 stars). 2 submissions from 2 submitters: Pathogenic (1); Likely pathogenic (1). Last evaluated 2022-06-04.

Conditions:
Marfan syndrome (MFS). Also called: Marfan syndrome, classic; Marfan syndrome type 1; Marfan's syndrome; MARFAN SYNDROME, TYPE I; FBN1-Related Marfan Syndrome. Identifiers: Orphanet 284963, Orphanet 558, MedGen C0024796, MONDO:0007947, OMIM 154700.
Familial thoracic aortic aneurysm and aortic dissection (TAAD). Also called: Thoracic aortic aneurysms and dissections. Identifiers: Orphanet 91387, MedGen C4707243, MONDO:0019625.

Submissions (2):

Labcorp Genetics (formerly Invitae), Labcorp
Classification: Likely pathogenic for Marfan syndrome; Familial thoracic aortic aneurysm and aortic dissection. Last evaluated: 2022-06-04. Review status: criteria provided, single submitter. Criteria: Invitae Variant Classification Sherloc (09022015). Collection method: clinical testing. Allele origin: germline.
Comment: ClinVar contains an entry for this variant (Variation ID: 406263). This sequence change replaces cysteine, which is neutral and slightly polar, with arginine, which is basic and polar, at codon 2674 of the FBN1 protein (p.Cys2674Arg). This variant is not present in population databases (gnomAD no frequency). This variant has not been reported in the literature in individuals affected with FBN1-related conditions. Advanced modeling of protein sequence and biophysical properties (such as structural, functional, and spatial information, amino acid conservation, physicochemical variation, residue mobility, and thermodynamic stability) performed at Invitae indicates that this missense variant is expected to disrupt FBN1 protein function. This variant affects a cysteine residue in the EGF-like, TGFBP or hybrid motif domains of FBN1. Cysteine residues are believed to be involved in intramolecular disulfide bridges and have been shown to be important for FBN1 protein structure (PMID: 16905551, 19349279). In addition, missense substitutions affecting cysteine residues within these domains are significantly overrepresented among patients with Marfan syndrome (PMID: 16571647, 17701892). In summary, the currently available evidence indicates that the variant is pathogenic, but additional data are needed to prove that conclusively. Therefore, this variant has been classified as Likely Pathogenic.

GeneDx
Classification: Pathogenic. Last evaluated: 2019-05-31. Review status: criteria provided, single submitter. Criteria: GeneDx Variant Classification Process June 2021. Collection method: clinical testing. Allele origin: germline. Affected: yes.
Comment: Has not been previously published as pathogenic or benign to our knowledge; Not observed in large population cohorts (Lek et al., 2016); In silico analysis, which includes protein predictors and evolutionary conservation, supports a deleterious effect; Affects a cysteine residue within a calcium-binding EGF-like domain of the FBN1 gene, which may affect disulfide bonding and is predicted to alter the structure and function of the protein; cysteine substitutions in the calcium-binding EGF-like domains represent the majority of pathogenic missense changes associated with FBN1 related disorders (Collod-Beroud et al., 2003)

Literature cited by the submitters: PubMed 16905551 (cited by Labcorp Genetics (formerly Invitae), Labcorp); PubMed 19349279 (cited by Labcorp Genetics (formerly Invitae), Labcorp); PubMed 16571647 (cited by Labcorp Genetics (formerly Invitae), Labcorp); PubMed 17701892 (cited by Labcorp Genetics (formerly Invitae), Labcorp).

NM_000138.5(FBN1):c.8020T>C (p.Cys2674Arg)

Gene: FBN1 (fibrillin 1; minus strand). Cytogenetic location: 15q21.1.
Variant type: single nucleotide variant.
Coding change: c.8020T>C on transcript NM_000138.5 (MANE Select); coding-DNA position 8020, T replaced by C.
Protein change: p.Cys2674Arg; replaces cysteine 2674 with arginine.
Molecular consequence: missense variant.
Genome position (GRCh38, 1-based): chr15:48,415,567, A>G on the plus strand (T>C on the coding strand, the complement: FBN1 is on the minus strand). VCF-style: chr15-48415567-A-G. GRCh37 (hg19) VCF-style: chr15-48707764-A-G.
Other names: short protein forms C2674R.
Identifiers: ClinVar variation 406263 (VCV000406263.11), dbSNP rs1060501014, ClinGen allele CA16614384.